The following is an entry in ClinVar:

NM_000257.4(MYH7):c.1304T>C (p.Met435Thr)

Gene: MYH7 (myosin heavy chain 7; minus strand). Cytogenetic location: 14q11.2.
Variant type: single nucleotide variant.
Coding change: c.1304T>C on transcript NM_000257.4 (MANE Select); coding-DNA position 1304, T replaced by C.
Protein change: p.Met435Thr; replaces methionine 435 with threonine.
Molecular consequence: missense variant.
Genome position (GRCh38, 1-based): chr14:23,429,058, A>G on the plus strand (T>C on the coding strand, the complement: MYH7 is on the minus strand). VCF-style: chr14-23429058-A-G. GRCh37 (hg19) VCF-style: chr14-23898267-A-G.
Other names: short protein forms M435T.
Identifiers: ClinVar variation 1418619 (VCV001418619.6), dbSNP rs1484300349, ClinGen allele CA389050907.

ClinVar aggregate classification (germline): Uncertain significance (1 of 4 stars; one submission).

Conditions:
Hypertrophic cardiomyopathy. Also called: HYPERTROPHIC MYOCARDIOPATHY. Identifiers: Orphanet 217569, MedGen C0007194, MeSH D002312, MONDO:0005045, HP:0001639.

Allele frequency attached by ClinVar (database versions not stated): TOPMed below 0.00001.

Submission:

Labcorp Genetics (formerly Invitae), Labcorp
Classification: Uncertain significance for Hypertrophic cardiomyopathy. Last evaluated: 2022-09-07. Review status: criteria provided, single submitter. Criteria: Invitae Variant Classification Sherloc (09022015). Collection method: clinical testing. Allele origin: germline.
Comment: In summary, the available evidence is currently insufficient to determine the role of this variant in disease. Therefore, it has been classified as a Variant of Uncertain Significance. This variant is found within a region of MYH7 between codons 181 and 937 that contains the majority of the myosin head domain. Missense variants in this region have been shown to be significantly overrepresented in individuals with hypertrophic cardiomyopathy (PMID: 27532257). This sequence change replaces methionine, which is neutral and non-polar, with threonine, which is neutral and polar, at codon 435 of the MYH7 protein (p.Met435Thr). This variant is not present in population databases (gnomAD no frequency). This missense change has been observed in individual(s) with hypertrophic cardiomyopathy (PMID: 15858117). ClinVar contains an entry for this variant (Variation ID: 1418619). Algorithms developed to predict the effect of missense changes on protein structure and function are either unavailable or do not agree on the potential impact of this missense change (SIFT: "Deleterious"; PolyPhen-2: "Probably Damaging"; Align-GVGD: "Class C0").

Literature cited by the submitters: PubMed 27532257; PubMed 15858117.